The following is an entry in ClinVar:

ClinVar aggregate classification (germline): Benign (1 of 4 stars; one submission).

Allele frequency attached by ClinVar (database versions not stated): 1000 Genomes Project 0.00060; 1000 Genomes Project 30x 0.00062; gnomAD 0.00195; TOPMed 0.00201; gnomAD exomes 0.00253; ExAC 0.00403.
gnomAD v4.1: 1,887 of 785,348 alleles (0.24%); highest among the groups gnomAD compares: Non-Finnish European, 0.29%; 5 homozygotes.

Submission:

CeGaT Center for Human Genetics Tuebingen
Classification: Benign. Last evaluated: 2023-05-01. Review status: criteria provided, single submitter. Criteria: CeGaT Center For Human Genetics Tuebingen Variant Classification Criteria Version 2. Collection method: clinical testing. Allele origin: germline. Affected: yes. Observed: 2 variant alleles.
Comment: CCDC78: BS1, BS2

NM_001378030.1(CCDC78):c.1134-172G>A

Gene: CCDC78 (coiled-coil domain containing 78; minus strand). Cytogenetic location: 16p13.3.
Variant type: single nucleotide variant.
Coding change: c.1134-172G>A on transcript NM_001378030.1 (MANE Select); 172 bases into the intron before coding-DNA position 1134, G replaced by A.
Molecular consequence: intron variant.
Genome position (GRCh38, 1-based): chr16:723,333, C>T on the plus strand (G>A on the coding strand, the complement: CCDC78 is on the minus strand). VCF-style: chr16-723333-C-T. GRCh37 (hg19) VCF-style: chr16-773333-C-T.
Other names: c.567-172G>A (NM_001378033.1); c.954-172G>A (NM_001378031.1); c.1134-172G>A (NM_001031737.3).
Identifiers: ClinVar variation 2570919 (VCV002570919.27), dbSNP rs539727486, ClinGen allele CA7789195.